The following is an entry in ClinVar:

ClinVar aggregate classification (germline): Uncertain significance. Review status: criteria provided, multiple submitters, no conflicts (2 of 4 stars). 2 submissions from 2 submitters: Uncertain significance (2). Last evaluated 2025-11-08.

Conditions:
Dystonia 12 (DYT12). Also called: Rapid-Onset Dystonia-Parkinsonism (RDP); DYT-ATP1A3. Identifiers: Orphanet 71517, MedGen C1868681, MONDO:0007496, OMIM 128235.

Allele frequency attached by ClinVar (database versions not stated): gnomAD exomes below 0.00001; TOPMed below 0.00001.
gnomAD v4.1: 1 of 1,613,932 alleles (0.000062%); highest among the groups gnomAD compares: Non-Finnish European, 0.000085%; no homozygotes.

Submissions (2):

Labcorp Genetics (formerly Invitae), Labcorp
Classification: Uncertain significance for Dystonia 12. Last evaluated: 2025-11-08. Review status: criteria provided, single submitter. Criteria: Invitae Variant Classification Sherloc (09022015). Collection method: clinical testing. Allele origin: germline.
Comment: This sequence change replaces glycine, which is neutral and non-polar, with serine, which is neutral and polar, at codon 854 of the ATP1A3 protein (p.Gly854Ser). This variant is not present in population databases (gnomAD no frequency). This variant has not been reported in the literature in individuals affected with ATP1A3-related conditions. ClinVar contains an entry for this variant (Variation ID: 1216325). Invitae Evidence Modeling of protein sequence and biophysical properties (such as structural, functional, and spatial information, amino acid conservation, physicochemical variation, residue mobility, and thermodynamic stability) indicates that this missense variant is expected to disrupt ATP1A3 protein function with a positive predictive value of 95%. Algorithms developed to predict the effect of sequence changes on RNA splicing suggest that this variant may create or strengthen a splice site. In summary, the available evidence is currently insufficient to determine the role of this variant in disease. Therefore, it has been classified as a Variant of Uncertain Significance.

GeneDx
Classification: Uncertain significance. Last evaluated: 2024-08-21. Review status: criteria provided, single submitter. Criteria: GeneDx Variant Classification Process June 2021. Collection method: clinical testing. Allele origin: germline. Affected: yes.
Comment: Not observed at significant frequency in large population cohorts (gnomAD); In silico analysis supports that this missense variant does not alter protein structure/function; In silico analysis suggests this variant may impact gene splicing. In the absence of RNA/functional studies, the actual effect of this sequence change is unknown.; Has not been previously published as pathogenic or benign to our knowledge

NM_152296.5(ATP1A3):c.2560G>A (p.Gly854Ser)

Gene: ATP1A3 (ATPase Na+/K+ transporting subunit alpha 3; minus strand). Cytogenetic location: 19q13.2.
Variant type: single nucleotide variant.
Coding change: c.2560G>A on transcript NM_152296.5 (MANE Select); coding-DNA position 2560, G replaced by A.
Protein change: p.Gly854Ser; replaces glycine 854 with serine.
Molecular consequence: missense variant.
Genome position (GRCh38, 1-based): chr19:41,969,563, C>T on the plus strand (G>A on the coding strand, the complement: ATP1A3 is on the minus strand). VCF-style: chr19-41969563-C-T. GRCh37 (hg19) VCF-style: chr19-42473715-C-T.
Other names: c.2593G>A, p.Gly865Ser (NM_001256213.2); c.2599G>A, p.Gly867Ser (NM_001256214.2); short protein forms G854S, G865S, G867S.
Identifiers: ClinVar variation 1216325 (VCV001216325.14), dbSNP rs2075079968, ClinGen allele CA406038332.
Genomic context (GRCh38, chr19:41,969,563, plus strand): 5'-CCAGGTTGCCGGGCAAGAAGCCATTTTCTGCCAGGATCACAAAGTAAGAGAAGAAGCCAC[C>T]GAGAGCCTGGATCATTCCTGGAAGGAGGAGAGAGGAAGCCGAGGAGAGGCTCAGATTGGG-3'
Protein context (NP_689509.1, residues 844-864): YGQIGMIQAL[Gly854Ser]GFFSYFVILA